The following is an entry in ClinVar:

ClinVar aggregate classification (germline): Pathogenic. Review status: criteria provided, multiple submitters, no conflicts (2 of 4 stars). 20 submissions from 20 submitters: Pathogenic (19). 1 of the submissions does not count toward it. Last evaluated 2026-02-01.

Conditions:
ATP7B-related disorder. Also called: ATP7B-related condition.
Inborn genetic diseases. Identifiers: MedGen C0950123, MeSH D030342.
Wilson disease (WND). Also called: Wilson's disease. Identifiers: Orphanet 905, MedGen C0019202, MONDO:0010200, OMIM 277900. Disease mechanism: loss of function.

Allele frequency attached by ClinVar (database versions not stated): ExAC 0.00004; gnomAD exomes 0.00004; gnomAD 0.00008 and 0.00009; TOPMed 0.00008; ESP Exome Variant Server 0.00016.
gnomAD v4.1: 70 of 1,614,042 alleles (0.0043%); highest among the groups gnomAD compares: African/African-American, 0.0067%; no homozygotes.

Submissions 1 to 15 of 20:

CeGaT Center for Human Genetics Tuebingen
Classification: Pathogenic. Last evaluated: 2026-02-01. Review status: criteria provided, single submitter. Criteria: CeGaT Center For Human Genetics Tuebingen Variant Classification Criteria Version 2. Collection method: clinical testing. Allele origin: germline. Affected: yes. Observed: 5 variant alleles.
Comment: ATP7B: PM3:Very Strong, PVS1, PM2, PP4

GeneDx
Classification: Pathogenic. Last evaluated: 2025-08-26. Review status: criteria provided, single submitter. Criteria: GeneDx Variant Classification Process June 2021. Collection method: clinical testing. Allele origin: germline. Affected: yes.
Comment: Nonsense variant predicted to result in protein truncation or nonsense mediated decay in a gene for which loss of function is a known mechanism of disease; Not observed at significant frequency in large population cohorts (gnomAD); This variant is associated with the following publications: (PMID: 25525159, 36096368, 36966606, 35220961, 26207595, 21610751, 31589614, 34400371, 28856630, 28753182, 30230192, 31144528, 30965071, 23982005, 11690702, 15967699, 15202786, 31345219, 39502306, 38928192, 39933775, 38397079, 8938442)

Natera, Inc.
Classification: Pathogenic for Wilson disease. Last evaluated: 2025-08-23. Review status: criteria provided, single submitter. Criteria: Natera Variant Classification Schema (03/2026). Collection method: clinical testing. Allele origin: germline.
Comment: The c.2336G>A variant in ATP7B is a nonsense variant predicted to introduce a stop codon at amino acid 779. This variant is expected to result in nonsense mediated decay, truncation, or a dysfunctional protein product. This variant is rare in the general population with a frequency below the threshold expected for the associated phenotype(s). This variant has been observed in one or more individuals affected with the associated recessive disease, as either homozygous or compound heterozygous with a second variant (PMID: 21610751, 23982005). Given the available evidence, this variant is classified as Pathogenic.

Labcorp Genetics (formerly Invitae), Labcorp
Classification: Pathogenic for Wilson disease. Last evaluated: 2025-07-13. Review status: criteria provided, single submitter. Criteria: Invitae Variant Classification Sherloc (09022015). Collection method: clinical testing. Allele origin: germline.
Comment: This sequence change creates a premature translational stop signal (p.Trp779*) in the ATP7B gene. It is expected to result in an absent or disrupted protein product. Loss-of-function variants in ATP7B are known to be pathogenic (PMID: 10441329, 16283883). The frequency data for this variant in the population databases is considered unreliable, as metrics indicate poor data quality at this position in the gnomAD database. This premature translational stop signal has been observed in individuals with Wilson disease (PMID: 8938442, 23982005; internal data). ClinVar contains an entry for this variant (Variation ID: 156284). For these reasons, this variant has been classified as Pathogenic.

Mayo Clinic Laboratories, Mayo Clinic
Classification: Pathogenic. Last evaluated: 2025-06-16. Review status: criteria provided, single submitter. Criteria: ACMG Guidelines, 2015. Collection method: clinical testing. Allele origin: germline. Observed: 9 variant alleles.
Comment: PP5, PM2_supporting, PS4, PVS1

Revvity Omics, Revvity
Classification: Pathogenic for Wilson disease. Last evaluated: 2025-05-02. Review status: criteria provided, single submitter. Criteria: ACMG Guidelines, 2015. Collection method: clinical testing. Allele origin: germline.

Center for Genomic Medicine, Rigshospitalet, Copenhagen University Hospital
Classification: Pathogenic. Last evaluated: 2025-03-04. Review status: criteria provided, single submitter. Criteria: ACMG Guidelines, 2015. Collection method: clinical testing. Allele origin: germline.

Blueprint Genetics
Classification: Pathogenic for ATP7B-related disorders. Last evaluated: 2024-09-30. Review status: criteria provided, single submitter. Criteria: ACMG Guidelines, 2015. Collection method: clinical testing. Allele origin: germline. Affected: yes. Observed: 5 variant alleles.

Lildballe Lab, Aarhus University Hospital
Classification: Pathogenic for Wilson disease. Last evaluated: 2024-08-29. Review status: criteria provided, single submitter. Criteria: ACMG Guidelines, 2015. Collection method: clinical testing. Allele origin: germline. Affected: yes.
Comment: PVS1, PP5, PM2

All of Us Research Program, National Institutes of Health
Classification: Pathogenic for Wilson disease. Last evaluated: 2024-08-06. Review status: criteria provided, single submitter. Criteria: ACMG Guidelines, 2015. Collection method: clinical testing. Allele origin: germline. Inheritance: Autosomal recessive inheritance. Observed: 21 variant alleles, 21 heterozygotes.
Comment: This variant changes 1 nucleotide in exon 8 of the ATP7B gene, creating a premature translation stop signal. This variant is expected to result in an absent or non-functional protein product. This variant has been observed in the compound heterozygous state and homozygous state in individuals affected with autosomal recessive Wilson disease (PMID: 8938442, 11690702, 15202786, 15967699, 18371106, 20958917, 21610751, 23518715, 23982005, 24517292, 27022412), indicating that this variant contributes to disease. This variant has been identified in 11/280818 chromosomes in the general population by the Genome Aggregation Database (gnomAD). Loss of ATP7B function is a known mechanism of disease. Based on the available evidence, this variant is classified as Pathogenic.

This study involves interpretation of variants in research participants for the purpose of population health screening. Participant phenotype was not available at the time of variant classification. Additional details can be found in publication PMID: 35346344, PMCID: PMC8962531

Fulgent Genetics
Classification: Pathogenic for Wilson disease. Last evaluated: 2024-05-29. Review status: criteria provided, single submitter. Criteria: ACMG Guidelines, 2015. Collection method: clinical testing. Allele origin: germline.

Baylor Genetics
Classification: Pathogenic for Wilson disease. Last evaluated: 2024-03-29. Review status: criteria provided, single submitter. Criteria: ACMG Guidelines, 2015. Collection method: clinical testing. Allele origin: unknown.

ARUP Laboratories, Molecular Genetics and Genomics, ARUP Laboratories
Classification: Pathogenic for Wilson disease. Last evaluated: 2024-03-07. Review status: criteria provided, single submitter. Criteria: ARUP Molecular Germline Variant Investigation Process 2024. Collection method: clinical testing. Allele origin: germline.
Comment: The ATP7B c.2336G>A; p.Trp779Ter variant (rs137853283) is reported in the literature as one of the most common variants in a Wilson disease cohort study (Vrabelova 2005), and has been described in at least one individual who was homozygous for the variant (Waldenstrom 1996). This variant is also reported in ClinVar (Variation ID: 156284), and is found in the general population with an overall allele frequency of 0.0039% (11/280818 alleles) in the Genome Aggregation Database. This variant induces an early termination codon and is predicted to result in a truncated protein or mRNA subject to nonsense-mediated decay. Based on available information, this variant is considered to be pathogenic. References: Vrabelova S et al. Mutation analysis of the ATP7B gene and genotype/phenotype correlation in 227 patients with Wilson disease. Mol Genet Metab. 2005 Sep-Oct;86(1-2):277-85. PMID: 15967699. Waldenstrom E et al. Efficient detection of mutations in Wilson disease by manifold sequencing. Genomics. 1996 Nov 1;37(3):303-9. PMID: 8938442.

Color Diagnostics, LLC DBA Color Health
Classification: Pathogenic for Wilson disease. Last evaluated: 2024-02-14. Review status: criteria provided, single submitter. Criteria: ACMG Guidelines, 2015. Collection method: clinical testing. Allele origin: germline.
Comment: This variant changes 1 nucleotide in exon 8 of the ATP7B gene, creating a premature translation stop signal. This variant is expected to result in an absent or non-functional protein product. This variant has been observed in the compound heterozygous state and homozygous state in individuals affected with autosomal recessive Wilson disease (PMID: 8938442, 11690702, 15202786, 15967699, 18371106, 20958917, 21610751, 23518715, 23982005, 24517292, 27022412), indicating that this variant contributes to disease. This variant has been identified in 11/280818 chromosomes in the general population by the Genome Aggregation Database (gnomAD). Loss of ATP7B function is a known mechanism of disease. Based on the available evidence, this variant is classified as Pathogenic.

Genome-Nilou Lab
Classification: Pathogenic for Wilson disease. Last evaluated: 2021-08-10. Review status: criteria provided, single submitter. Criteria: ACMG Guidelines, 2015. Collection method: clinical testing. Allele origin: germline. Affected: no.

NM_000053.4(ATP7B):c.2336G>A (p.Trp779Ter)

Gene: ATP7B (ATPase copper transporting beta; minus strand). Cytogenetic location: 13q14.3.
Variant type: single nucleotide variant.
Coding change: c.2336G>A on transcript NM_000053.4 (MANE Select); coding-DNA position 2336, G replaced by A.
Protein change: p.Trp779Ter; replaces tryptophan 779 with a stop codon.
Molecular consequence: nonsense. On other transcripts: intron variant (2).
Genome position (GRCh38, 1-based): chr13:51,958,330, C>T on the plus strand (G>A on the coding strand, the complement: ATP7B is on the minus strand). VCF-style: chr13-51958330-C-T. GRCh37 (hg19) VCF-style: chr13-52532466-C-T.
Other names: p.Trp779*; c.2003G>A, p.Trp668Ter (NM_001243182.2); c.2084G>A, p.Trp695Ter (NM_001330579.2); c.1870-723G>A (NM_001005918.3); c.2122-723G>A (NM_001330578.2); short protein forms W779*, W668*, W695*.
Identifiers: ClinVar variation 156284 (VCV000156284.69), dbSNP rs137853283, ClinGen allele CA270734.
Genomic context (GRCh38, chr13:51,958,330, plus strand): 5'-CTGAAGGAGCAGCTCTTTTCTGAACCTGAAGCTGCTGTTACCTTTGCCAAGTGTTCCAGC[C>T]ACCGGCCCAGGGCAATGAACACAAAGAGCATGGGGGGCGTGTCGAAGAATGTCACAGGGC-3'